The following is an entry in ClinVar:

GRCh38/hg38 17p12(chr17:12453983-12791857)

Genes: ARHGAP44 (Rho GTPase activating protein 44; plus strand), ARHGAP44-AS1 (ARHGAP44 and MYOCD antisense RNA 1; minus strand), LINC00670 (long intergenic non-protein coding RNA 670; plus strand), MYOCD (myocardin; plus strand), MYOCD-AS1 (MYOCD antisense RNA 1; minus strand) and 4 more. Cytogenetic location: 17p12.
Variant type: copy number loss.
Identifiers: ClinVar variation 3235931 (VCV003235931.1).

ClinVar aggregate classification (germline): Likely pathogenic (1 of 4 stars; one submission).

Conditions:
Megabladder, congenital. Identifiers: MedGen C5231472, MONDO:0032879, OMIM 618719.

Submission:

New York Genome Center
Classification: Likely pathogenic for Megabladder, congenital. Last evaluated: 2022-01-22. Review status: criteria provided, single submitter. Criteria: NYGC Assertion Criteria 2020. Collection method: clinical testing. Allele origin: de novo. Affected: yes. Observed: 1 variant allele. Study: PrenatalSEQ.
Comment: This de novo 373kb heterozygous deletion on the short arm of chromosome 17 encompasses the entire MYOCD and the first exon of ARHGAP44. This genomic deletion has not been reported previously in the literature, ClinVar, or DECIPHER. The region has not been evaluated by ClinGen Dosage Sensitivity Working Group. There is no known disease association for ARHGAP44 yet, however, constraint metrics are in favor of intolerance to loss-of-function (gnomAD v2.1 pLI = 1) variation. Partial gene deletion and loss-of-function (LoF) variants in MYOCD have been reported in individuals with lower urinary tract obstruction related phenotypes and/or congenital heart defects such as atrial septal defect, ventricular septal defect, and tetralogy of Fallot (PMID:31513549,28398664). Functional and animal studies showed the deleterious effects of gene deletion and loss-of-function variants on bladder smooth muscle organization and the recapitulation of the genitourinary and cardiac phenotypes in mice, respectively (PMID:31513549,25805819). Based on the available evidence, this de novo 373kb deletion is reported as Likely pathogenic.